The following is an entry in ClinVar:

ClinVar aggregate classification (germline): Likely pathogenic (1 of 4 stars; one submission).

Conditions:
Autosomal recessive limb-girdle muscular dystrophy type 2E (LGMDR4). Also called: MUSCULAR DYSTROPHY, LIMB-GIRDLE, AUTOSOMAL RECESSIVE 4. Identifiers: Orphanet 119, MedGen C1858593, MONDO:0011423, OMIM 604286. Disease mechanism: Affects gamma-sarcoglycan and also disrupts the integrity of the entire sarcoglycan complex..

Submission:

Labcorp Genetics (formerly Invitae), Labcorp
Classification: Likely pathogenic for Autosomal recessive limb-girdle muscular dystrophy type 2E. Last evaluated: 2024-04-03. Review status: criteria provided, single submitter. Criteria: Invitae Variant Classification Sherloc (09022015). Collection method: clinical testing. Allele origin: germline.
Comment: This variant, c.622_649delins31, is a complex sequence change that results in the deletion of 10 and insertion of 11 amino acid(s) in the SGCB protein (p.Ile208_Asn217delins11). This variant is not present in population databases (gnomAD no frequency). This variant has been observed in individual(s) with limb-girdle muscular dystrophy type 2E (Invitae). It has also been observed to segregate with disease in related individuals. This variant disrupts a region of the SGCB protein in which other variant(s) (p.Thr213_Ser214insTyrLeuAsn) have been observed in individuals with SGCB-related conditions (Invitae). This suggests that this is a clinically significant region of the protein, and that variants that disrupt it are likely to be disease-causing. In summary, the currently available evidence indicates that the variant is pathogenic, but additional data are needed to prove that conclusively. Therefore, this variant has been classified as Likely Pathogenic.

NM_000232.5(SGCB):c.622_649delinsCAAAGCTATATATTTAAACTTTTATTTAAAT (p.Ile208_Asn217delinsGlnSerTyrIlePheLysLeuLeuPheLysTyr)

Gene: SGCB (sarcoglycan beta; minus strand). Cytogenetic location: 4q12.
Variant type: Indel.
Coding change: c.622_649delinsCAAAGCTATATATTTAAACTTTTATTTAAAT on transcript NM_000232.5 (MANE Select); coding-DNA positions 622 to 649, the reference bases replaced by an inserted sequence.
Protein change: p.Ile208_Asn217delinsGlnSerTyrIlePheLysLeuLeuPheLysTyr.
Molecular consequence: inframe indel.
Genome position (GRCh38, 1-based): chr4:52,028,072-52,028,099, 28 bases replaced. GRCh37 (hg19): chr4:52,894,238-52,894,265.
Identifiers: ClinVar variation 3677547 (VCV003677547.2).